The following is an entry in ClinVar:

NM_001204.7(BMPR2):c.2281A>C (p.Asn761His)

Gene: BMPR2 (bone morphogenetic protein receptor type 2; plus strand). Cytogenetic location: 2q33.2.
Variant type: single nucleotide variant.
Coding change: c.2281A>C on transcript NM_001204.7 (MANE Select); coding-DNA position 2281, A replaced by C.
Protein change: p.Asn761His; replaces asparagine 761 with histidine.
Molecular consequence: missense variant.
Genome position (GRCh38, 1-based): chr2:202,555,946, A>C. VCF-style: chr2-202555946-A-C. GRCh37 (hg19) VCF-style: chr2-203420669-A-C.
Other names: short protein forms N761H.
Identifiers: ClinVar variation 4597136 (VCV004597136.1).
Genomic context (GRCh38, chr2:202,555,946, plus strand): 5'-CAGATCTATCCTCTCCCCAAGCAGCAGAACCTTCCCAAGAGACCTACTAGTTTGCCTTTG[A>C]ACACCAAAAATTCAACAAAAGAGCCCCGGCTAAAATTTGGCAGCAAGCACAAATCAAACT-3'
Protein context (NP_001195.2, residues 751-771): LPKRPTSLPL[Asn761His]TKNSTKEPRL

ClinVar aggregate classification (germline): Uncertain significance (1 of 4 stars; one submission).

Conditions:
Inborn genetic diseases. Identifiers: MedGen C0950123, MeSH D030342.

Submission:

Ambry Genetics
Classification: Uncertain significance for Inborn genetic diseases. Last evaluated: 2025-09-27. Review status: criteria provided, single submitter. Criteria: Ambry Variant Classification Scheme 2023. Collection method: clinical testing. Allele origin: germline.
Comment: The p.N761H variant (also known as c.2281A>C), located in coding exon 12 of the BMPR2 gene, results from an A to C substitution at nucleotide position 2281. The asparagine at codon 761 is replaced by histidine, an amino acid with similar properties. This amino acid position is conserved. In addition, this alteration is predicted to be tolerated by in silico analysis. Based on the available evidence, the clinical significance of this variant remains unclear.